The following is an entry in ClinVar:

NM_006080.3(SEMA3A):c.27T>C (p.Cys9=)

Gene: SEMA3A (semaphorin 3A; minus strand). Cytogenetic location: 7q21.11.
Variant type: single nucleotide variant.
Coding change: c.27T>C on transcript NM_006080.3 (MANE Select); coding-DNA position 27, T replaced by C.
Protein change: p.Cys9=; no amino-acid change (cysteine 9 retained).
Molecular consequence: synonymous variant.
Genome position (GRCh38, 1-based): chr7:84,194,560, A>G on the plus strand (T>C on the coding strand, the complement: SEMA3A is on the minus strand). VCF-style: chr7-84194560-A-G. GRCh37 (hg19) VCF-style: chr7-83823876-A-G.
Identifiers: ClinVar variation 4981132 (VCV004981132.1).
Genomic context (GRCh38, chr7:84,194,560, plus strand): 5'-CACATTGTTCTTCCCATTCTGATAGTTTGCTCTTGCTGTAAGTAATACTCCCCAGAAAAG[A>G]CAGACAATCCTAGTTAACCAGCCCATGCTGCAGACGCTGTAGGTCCCTTTGCTGCTTTAG-3'
Protein context (NP_006071.1, residues 1-19): MGWLTRIV[Cys9=]LFWGVLLTAR

ClinVar aggregate classification (germline): Likely benign (1 of 4 stars; one submission).

Conditions:
SEMA3A-related disorder. Also called: SEMA3A-related condition.

gnomAD v4.1: 75 of 1,612,872 alleles (0.0047%); highest among the groups gnomAD compares: Non-Finnish European, 0.0059%; no homozygotes.

Submission:

PreventionGenetics, part of Exact Sciences
Classification: Likely benign for SEMA3A-related condition. Last evaluated: 2025-03-09. Review status: criteria provided, single submitter. Criteria: ACMG Guidelines, 2015. Collection method: clinical testing. Allele origin: germline.
Comment: This variant is classified as likely benign based on ACMG/AMP sequence variant interpretation guidelines (Richards et al. 2015 PMID: 25741868, with internal and published modifications).